The following is an entry in ClinVar:

ClinVar aggregate classification (germline): Uncertain significance. Review status: criteria provided, multiple submitters, no conflicts (2 of 4 stars). 6 submissions from 6 submitters: Uncertain significance (5). 1 of the submissions does not count toward it. Last evaluated 2026-06-01.

Conditions:
Retinitis pigmentosa 74 (RP74). Identifiers: Orphanet 791, MedGen C4225281, MONDO:0014692, OMIM 616562.
Bardet-Biedl syndrome 2 (BBS2). Identifiers: Orphanet 110, MedGen C2936863, MONDO:0014432, OMIM 615981.
BBS2-related disorder. Also called: BBS2-related condition; BBS2-related disorders. Identifiers: MedGen CN239228.
Bardet-Biedl syndrome (BBS). Identifiers: Orphanet 110, MedGen C0752166, MONDO:0015229.
Inborn genetic diseases. Identifiers: MedGen C0950123, MeSH D030342.

Allele frequency attached by ClinVar (database versions not stated): gnomAD exomes 0.00002; gnomAD 0.00018 and 0.00019; TOPMed 0.00027; ESP Exome Variant Server 0.00031.
gnomAD v4.1: 59 of 1,613,484 alleles (0.0037%); highest among the groups gnomAD compares: African/African-American, 0.059%; no homozygotes.

Submissions (6):

PreventionGenetics, part of Exact Sciences
Classification: Uncertain significance for BBS2-related condition. Last evaluated: 2026-06-01. Review status: criteria provided, single submitter. Criteria: ACMG Guidelines, 2015. Collection method: clinical testing. Allele origin: germline.
Comment: The BBS2 c.1927C>T variant is predicted to result in the amino acid substitution p.Arg643Cys. To our knowledge, this variant has not been reported in the literature, although an alternate substitution of the same amino acid (p.Arg643His) has been reported in a patient with a clinical diagnosis of Bardet-Biedl syndrome (Fauser et al. 2003. PubMed ID: 12920096). The c.1927C>T (p.Arg643Cys) variant is reported in 0.084% of alleles in individuals of African descent in gnomAD, which may be too frequent to be a primary cause of disease. Although we suspect that this variant may be benign, at this time, the clinical significance of this variant is uncertain due to the absence of conclusive functional and genetic evidence.

Fulgent Genetics
Classification: Uncertain significance for Bardet-Biedl syndrome 2; Retinitis pigmentosa 74. Last evaluated: 2024-04-16. Review status: criteria provided, single submitter. Criteria: ACMG Guidelines, 2015. Collection method: clinical testing. Allele origin: germline.

Blueprint Genetics
Classification: Uncertain significance. Last evaluated: 2022-11-10. Review status: criteria provided, single submitter. Criteria: ACMG Guidelines, 2015. Collection method: clinical testing. Allele origin: germline.

Labcorp Genetics (formerly Invitae), Labcorp
Classification: Uncertain significance for Bardet-Biedl syndrome. Last evaluated: 2022-11-01. Review status: criteria provided, single submitter. Criteria: Invitae Variant Classification Sherloc (09022015). Collection method: clinical testing. Allele origin: germline.
Comment: This sequence change replaces arginine, which is basic and polar, with cysteine, which is neutral and slightly polar, at codon 643 of the BBS2 protein (p.Arg643Cys). This variant is present in population databases (rs147397090, gnomAD 0.08%). This variant has not been reported in the literature in individuals affected with BBS2-related conditions. ClinVar contains an entry for this variant (Variation ID: 858439). Advanced modeling of protein sequence and biophysical properties (such as structural, functional, and spatial information, amino acid conservation, physicochemical variation, residue mobility, and thermodynamic stability) performed at Invitae indicates that this missense variant is not expected to disrupt BBS2 protein function. In summary, the available evidence is currently insufficient to determine the role of this variant in disease. Therefore, it has been classified as a Variant of Uncertain Significance.

Ambry Genetics
Classification: Uncertain significance for Inborn genetic diseases. Last evaluated: 2021-09-16. Review status: criteria provided, single submitter. Criteria: Ambry Variant Classification Scheme 2023. Collection method: clinical testing. Allele origin: germline.

Natera, Inc.
Classification: Uncertain significance for Bardet-Biedl syndrome type 2. Last evaluated: 2019-11-11. Review status: no assertion criteria provided. Collection method: clinical testing. Allele origin: germline. Not counted in ClinVar's aggregate classification.

NM_031885.5(BBS2):c.1927C>T (p.Arg643Cys)

Gene: BBS2 (Bardet-Biedl syndrome 2; minus strand). Cytogenetic location: 16q13.
Variant type: single nucleotide variant.
Coding change: c.1927C>T on transcript NM_031885.5 (MANE Select); coding-DNA position 1927, C replaced by T.
Protein change: p.Arg643Cys; replaces arginine 643 with cysteine.
Molecular consequence: missense variant. On other transcripts: non-coding transcript variant (5).
Genome position (GRCh38, 1-based): chr16:56,485,722, G>A on the plus strand (C>T on the coding strand, the complement: BBS2 is on the minus strand). VCF-style: chr16-56485722-G-A. GRCh37 (hg19) VCF-style: chr16-56519634-G-A.
Other names: c.1927C>T, p.Arg643Cys (NM_001377456.1); short protein forms R643C.
Identifiers: ClinVar variation 858439 (VCV000858439.11), dbSNP rs147397090, ClinGen allele CA8065577.
Genomic context (GRCh38, chr16:56,485,722, plus strand): 5'-TACAGCGAATTTTATATCCATTTAGCAAGTCTCTATTAAGGTCATAGAGTTCCATATAAC[G>A]ACTCTTCATTGTTTTCCTGTGCAAATCAGTAGAAATTTGACATCATTTCATGTTGATATG-3'
Protein context (NP_114091.4, residues 633-653): LMRDMKTMKS[Arg643Cys]YMELYDLNRD